The following is an entry in ClinVar:

ClinVar aggregate classification (germline): Uncertain significance (1 of 4 stars; one submission).

Conditions:
Cohen syndrome (COH1). Also called: Cutis verticis gyrata, retinitis pigmentosa, and sensorineural deafness; PEPPER SYNDROME. Identifiers: Orphanet 193, MedGen C0265223, MONDO:0008999, OMIM 216550.

Submission:

Labcorp Genetics (formerly Invitae), Labcorp
Classification: Uncertain significance for Cohen syndrome. Last evaluated: 2025-01-15. Review status: criteria provided, single submitter. Criteria: Invitae Variant Classification Sherloc (09022015). Collection method: clinical testing. Allele origin: germline.
Comment: This sequence change replaces arginine, which is basic and polar, with threonine, which is neutral and polar, at codon 1930 of the VPS13B protein (p.Arg1930Thr). This variant is not present in population databases (gnomAD no frequency). This variant has not been reported in the literature in individuals affected with VPS13B-related conditions. ClinVar contains an entry for this variant (Variation ID: 1026074). Invitae Evidence Modeling of protein sequence and biophysical properties (such as structural, functional, and spatial information, amino acid conservation, physicochemical variation, residue mobility, and thermodynamic stability) indicates that this missense variant is expected to disrupt VPS13B protein function with a positive predictive value of 80%. In summary, the available evidence is currently insufficient to determine the role of this variant in disease. Therefore, it has been classified as a Variant of Uncertain Significance.

NM_152564.5(VPS13B):c.5714G>C (p.Arg1905Thr)

Gene: VPS13B (vacuolar protein sorting 13 homolog B; plus strand). Cytogenetic location: 8q22.2.
Variant type: single nucleotide variant.
Coding change: c.5714G>C on transcript NM_152564.5 (MANE Select); coding-DNA position 5714, G replaced by C.
Protein change: p.Arg1905Thr; replaces arginine 1905 with threonine.
Molecular consequence: missense variant.
Genome position (GRCh38, 1-based): chr8:99,642,304, G>C. VCF-style: chr8-99642304-G-C. GRCh37 (hg19) VCF-style: chr8-100654532-G-C.
Other names: c.5789G>C, p.Arg1930Thr (NM_017890.5); short protein forms R1905T, R1930T.
Identifiers: ClinVar variation 1026074 (VCV001026074.7), dbSNP rs1829402250, ClinGen allele CA371873153.